The following is an entry in ClinVar:

ClinVar aggregate classification (germline): Conflicting classifications of pathogenicity. Review status: criteria provided, conflicting classifications (1 of 4 stars). 4 submissions from 4 submitters: Pathogenic (1); Likely pathogenic (2); Uncertain significance (1). Last evaluated 2026-04-27.

Conditions:
Retinitis pigmentosa (RP). Identifiers: Orphanet 791, MedGen C0035334, MeSH D012174, MONDO:0019200, OMIM 268000. Inheritance: Autosomal dominant, autosomal recessive and X linked inheritance.
Retinal dystrophy. Also called: Inherited retinal dystrophy. Identifiers: Orphanet 71862, MedGen C0854723, MeSH D058499, MONDO:0019118, HP:0000556.

Submissions (4):

Dasa
Classification: Likely pathogenic for Retinitis pigmentosa. Last evaluated: 2026-04-27. Review status: criteria provided, single submitter. Criteria: DASA Assertion Criteria. Collection method: clinical testing. Allele origin: germline. Inheritance: Autosomal dominant inheritance.
Comment: NM_000539.3(RHO):c.568G>C (p.Asp190His) is a heterozygous missense variant that results in the substitution of aspartic acid with histidine at codon 190 of rhodopsin, altering a conserved residue in a gene where pathogenicity is commonly mediated by missense changes affecting protein function in an autosomal dominant manner. This specific variant has been reported in individuals with autosomal dominant retinitis pigmentosa (PMID: 36819107; PMID: 34906470; PMID: 31429209). In silico analyses consistently support a deleterious effect on the protein, and the variant is present at low frequency in population databases. A different missense substitution affecting the same codon has been reported in association with disease, providing limited contextual support while recognising that distinct amino acid changes may have different functional consequences. Based on the available data, this variant is classified as likely pathogenic.

Labcorp Genetics (formerly Invitae), Labcorp
Classification: Pathogenic. Last evaluated: 2026-01-05. Review status: criteria provided, single submitter. Criteria: Invitae Variant Classification Sherloc (09022015). Collection method: clinical testing. Allele origin: germline.
Comment: This sequence change replaces aspartic acid, which is acidic and polar, with histidine, which is basic and polar, at codon 190 of the RHO protein (p.Asp190His). This variant is not present in population databases (gnomAD no frequency). This missense change has been observed in individuals with autosomal dominant retinitis pigmentosa and/or inherited retinal disease (PMID: 31429209, 34906470; internal data). ClinVar contains an entry for this variant (Variation ID: 1297108). Invitae Evidence Modeling of protein sequence and biophysical properties (such as structural, functional, and spatial information, amino acid conservation, physicochemical variation, residue mobility, and thermodynamic stability) indicates that this missense variant is expected to disrupt RHO protein function with a positive predictive value of 95%. This variant disrupts the p.Asp190 amino acid residue in RHO. Other variant(s) that disrupt this residue have been determined to be pathogenic (PMID: 1765377, 19085385, 22252712, 23625926). This suggests that this residue is clinically significant, and that variants that disrupt this residue are likely to be disease-causing. For these reasons, this variant has been classified as Pathogenic.

Broad Center for Mendelian Genomics, Broad Institute of MIT and Harvard
Classification: Uncertain significance for Retinitis pigmentosa. Last evaluated: 2021-04-01. Review status: criteria provided, single submitter. Criteria: ACMG Guidelines, 2015. Collection method: curation. Allele origin: germline. Inheritance: Autosomal dominant inheritance. Affected: yes.
Comment: Through a review of available evidence we were able to apply the following criteria: PM2, PP3. Based on this evidence we have classified this variant as a Variant of Uncertain Significance. If you have any questions about the classification please reach out to the Pierce Lab.

Institute of Human Genetics, Univ. Regensburg, Univ. Regensburg
Classification: Likely pathogenic for Retinal dystrophy. Last evaluated: 2020-01-01. Review status: criteria provided, single submitter. Criteria: ACMG Guidelines, 2015. Collection method: clinical testing. Allele origin: germline. Affected: yes.

Literature cited by the submitters: PubMed 36819107 (cited by Dasa and Institute of Human Genetics, Univ. Regensburg, Univ. Regensburg); PubMed 34906470 (cited by 3 submitters); PubMed 31429209 (cited by 3 submitters); PubMed 1765377 (cited by Labcorp Genetics (formerly Invitae), Labcorp); PubMed 19085385 (cited by Labcorp Genetics (formerly Invitae), Labcorp); PubMed 22252712 (cited by Labcorp Genetics (formerly Invitae), Labcorp); PubMed 23625926 (cited by Labcorp Genetics (formerly Invitae), Labcorp).

NM_000539.3(RHO):c.568G>C (p.Asp190His)

Gene: RHO (rhodopsin; plus strand). Cytogenetic location: 3q22.1.
Variant type: single nucleotide variant.
Coding change: c.568G>C on transcript NM_000539.3 (MANE Select); coding-DNA position 568, G replaced by C.
Protein change: p.Asp190His; replaces aspartic acid 190 with histidine.
Molecular consequence: missense variant.
Genome position (GRCh38, 1-based): chr3:129,532,288, G>C. VCF-style: chr3-129532288-G-C. GRCh37 (hg19) VCF-style: chr3-129251131-G-C.
Other names: short protein forms D190H.
Identifiers: ClinVar variation 1297108 (VCV001297108.8), dbSNP rs104893779, ClinGen allele CA354499304.